The following is an entry in ClinVar:

NM_005263.5(GFI1):c.925-40CT[26]

Gene: GFI1 (growth factor independent 1 transcriptional repressor; minus strand). Cytogenetic location: 1p22.1.
Variant type: Microsatellite.
Coding change: c.925-40CT[26] on transcript NM_005263.5 (MANE Select); 26 copies in a row of the 2-base unit CT starting at c.925-40; the reference has 18 copies in a row; eight copies, 16 bases duplicated.
Molecular consequence: intron variant.
Genome position (GRCh38, 1-based): chr1:92,478,758-92,478,773, AGAGAGAGAGAGAGAG duplicated on the plus strand (CTCTCTCTCTCTCTCT on the coding strand, the reverse complement: GFI1 is on the minus strand); duplicating any 16 consecutive bases within chr1:92,478,758-92,478,794 gives the same sequence; the position shown is the placement nearest the transcript's 3' end. VCF-style (leftmost placement, unchanged base first): chr1-92478757-C-CAGAGAGAGAGAGAGAG. GRCh37 (hg19) VCF-style: chr1-92944314-C-CAGAGAGAGAGAGAGAG.
Other names: p.?; c.925-20_925-5dup (NM_005263.3, NM_005263.5); c.925-40CT[26] (NM_001127216.3, NM_001127215.3).
Identifiers: ClinVar variation 538141 (VCV000538141.19), dbSNP rs35896485, ClinGen allele CA658795483.
Genomic context (GRCh38, chr1:92,478,757, plus strand): 5'-CAGTGTGGATGACCTCTTGAAGCTCTTCCCACAGATCTTACAGTCAAAGCTCCGTTCCTG[C>CAGAGAGAGAGAGAGAG]AGAGAGAGAGAGAGAGAGAGAGAGAGAGAGAGAGAGATGCAGAACTCCTACTGCAGTCAA-3'

ClinVar aggregate classification (germline): Conflicting classifications of pathogenicity. Review status: criteria provided, conflicting classifications (1 of 4 stars). 5 submissions from 5 submitters: Uncertain significance (1); Benign (2); Likely benign (1). 1 of the submissions does not count toward it. Last evaluated 2025-11-03.

Conditions:
GFI1-related disorder. Also called: GFI1-related condition.
Neutropenia, severe congenital, 2, autosomal dominant. Identifiers: Orphanet 486, MedGen C2751288, MONDO:0013139, OMIM 613107.

Submissions (5):

Labcorp Genetics (formerly Invitae), Labcorp
Classification: Benign for Neutropenia, severe congenital, 2, autosomal dominant. Last evaluated: 2025-11-03. Review status: criteria provided, single submitter. Criteria: Invitae Variant Classification Sherloc (09022015). Collection method: clinical testing. Allele origin: germline.

Blueprint Genetics
Classification: Likely benign. Last evaluated: 2024-11-22. Review status: criteria provided, single submitter. Criteria: ACMG Guidelines, 2015. Collection method: clinical testing. Allele origin: germline.

Mayo Clinic Laboratories, Mayo Clinic
Classification: Benign. Last evaluated: 2023-06-14. Review status: criteria provided, single submitter. Criteria: ACMG Guidelines, 2015. Collection method: clinical testing. Allele origin: germline. Observed: 7 variant alleles.
Comment: BP4, BP7

Genetic Services Laboratory, University of Chicago
Classification: Uncertain significance. Last evaluated: 2021-07-27. Review status: criteria provided, single submitter. Criteria: ACMG Guidelines, 2015. Collection method: clinical testing. Allele origin: germline. Affected: no.

PreventionGenetics, part of Exact Sciences
Classification: Likely benign for GFI1-related condition. Last evaluated: 2020-03-18. Review status: no assertion criteria provided. Collection method: clinical testing. Allele origin: germline. Not counted in ClinVar's aggregate classification.
Comment: This variant is classified as likely benign based on ACMG/AMP sequence variant interpretation guidelines (Richards et al. 2015 PMID: 25741868, with internal and published modifications).